The following is an entry in ClinVar:

ClinVar aggregate classification (germline): Uncertain significance (1 of 4 stars; one submission).

Allele frequency attached by ClinVar (database versions not stated): ExAC 0.00001.

Submission:

Labcorp Genetics (formerly Invitae), Labcorp
Classification: Uncertain significance. Last evaluated: 2022-07-09. Review status: criteria provided, single submitter. Criteria: Invitae Variant Classification Sherloc (09022015). Collection method: clinical testing. Allele origin: germline.
Comment: In summary, the available evidence is currently insufficient to determine the role of this variant in disease. Therefore, it has been classified as a Variant of Uncertain Significance. Algorithms developed to predict the effect of missense changes on protein structure and function are either unavailable or do not agree on the potential impact of this missense change (SIFT: "Not Available"; PolyPhen-2: "Probably Damaging"; Align-GVGD: "Not Available"). This variant has not been reported in the literature in individuals affected with VPS33B-related conditions. This variant is present in population databases (rs763045951, gnomAD 0.0009%). This sequence change replaces arginine, which is basic and polar, with glycine, which is neutral and non-polar, at codon 233 of the VPS33B protein (p.Arg233Gly).

NM_018668.5(VPS33B):c.697A>G (p.Arg233Gly)

Gene: VPS33B (VPS33B late endosome and lysosome associated; minus strand). Cytogenetic location: 15q26.1.
Variant type: single nucleotide variant.
Coding change: c.697A>G on transcript NM_018668.5 (MANE Select); coding-DNA position 697, A replaced by G.
Protein change: p.Arg233Gly; replaces arginine 233 with glycine.
Molecular consequence: missense variant.
Genome position (GRCh38, 1-based): chr15:91,006,953, T>C on the plus strand (A>G on the coding strand, the complement: VPS33B is on the minus strand). VCF-style: chr15-91006953-T-C. GRCh37 (hg19) VCF-style: chr15-91550183-T-C.
Other names: c.616A>G, p.Arg206Gly (NM_001289148.1); c.424A>G, p.Arg142Gly (NM_001289149.1); short protein forms R206G, R233G, R142G.
Identifiers: ClinVar variation 2015599 (VCV002015599.4), dbSNP rs763045951, ClinGen allele CA7744957.